The following is an entry in ClinVar:

NM_198428.3(BBS9):c.2060A>G (p.Lys687Arg)

Gene: BBS9 (Bardet-Biedl syndrome 9; plus strand). Cytogenetic location: 7p14.3.
Variant type: single nucleotide variant.
Coding change: c.2060A>G on transcript NM_198428.3 (MANE Select); coding-DNA position 2060, A replaced by G.
Protein change: p.Lys687Arg; replaces lysine 687 with arginine.
Molecular consequence: missense variant. On other transcripts: non-coding transcript variant (3).
Genome position (GRCh38, 1-based): chr7:33,388,089, A>G. VCF-style: chr7-33388089-A-G. GRCh37 (hg19) VCF-style: chr7-33427701-A-G.
Other names: c.1955A>G, p.Lys652Arg (NM_001033604.2); c.2045A>G, p.Lys682Arg (NM_001033605.2); c.2060A>G, p.Lys687Arg (NM_001348036.1, NM_001348041.4, NM_001348043.3 and 1 more transcripts); c.1694A>G, p.Lys565Arg (NM_001348037.3, NM_001348045.3, NM_001348046.3); c.1787A>G, p.Lys596Arg (NM_001348038.3); c.1682A>G, p.Lys561Arg (NM_001348039.3); c.1940A>G, p.Lys647Arg (NM_001348040.3, NM_014451.4); c.1925A>G, p.Lys642Arg (NM_001348042.3); and 1 more; short protein forms K565R, K530R, K596R, K682R, K561R, K647R, K642R, K652R.
Identifiers: ClinVar variation 3822270 (VCV003822270.2).
Genomic context (GRCh38, chr7:33,388,089, plus strand): 5'-CTGAGAGAGCTGTACAATTTCGGGCCATTCAACGCCGGCTACTAGCAAGATTCAAAGATA[A>G]AACTCCTGCCCCTCTTCAACACCTGGACACCTTGTTAGATGGAACCTACAAGCAGGTCAG-3'
Protein context (NP_940820.1, residues 677-697): QRRLLARFKD[Lys687Arg]TPAPLQHLDT

ClinVar aggregate classification (germline): Uncertain significance. Review status: criteria provided, multiple submitters, no conflicts (2 of 4 stars). 2 submissions from 2 submitters: Uncertain significance (2). Last evaluated 2025-05-23.

Conditions:
BBS9-related disorder. Also called: BBS9-related condition.
Inborn genetic diseases. Identifiers: MedGen C0950123, MeSH D030342.

gnomAD v4.1: 1 of 1,614,036 alleles (0.000062%); no homozygotes.

Submissions (2):

PreventionGenetics, part of Exact Sciences
Classification: Uncertain significance for BBS9-related condition. Last evaluated: 2025-05-23. Review status: criteria provided, single submitter. Criteria: ACMG Guidelines, 2015. Collection method: clinical testing. Allele origin: germline.
Comment: The BBS9 c.2060A>G variant is predicted to result in the amino acid substitution p.Lys687Arg. To our knowledge, this variant has not been reported in the literature or in a large population database (gnomAD), indicating this variant is rare. At this time, the clinical significance of this variant is uncertain due to the absence of conclusive functional and genetic evidence.

Ambry Genetics
Classification: Uncertain significance for Inborn genetic diseases. Last evaluated: 2025-03-05. Review status: criteria provided, single submitter. Criteria: Ambry Variant Classification Scheme 2023. Collection method: clinical testing. Allele origin: germline.